The following is an entry in ClinVar:

ClinVar aggregate classification (germline): Uncertain significance (1 of 4 stars; one submission).

Conditions:
Cardiomyopathy (CMYO). Also called: Cardiomyopathies. Identifiers: Orphanet 167848, MedGen C0878544, MONDO:0004994, HP:0001638. Inheritance: Various modes of inheritance.

Submission:

Color Diagnostics, LLC DBA Color Health
Classification: Uncertain significance for Cardiomyopathy. Last evaluated: 2020-11-23. Review status: criteria provided, single submitter. Criteria: ACMG Guidelines, 2015. Collection method: clinical testing. Allele origin: germline.
Comment: This missense variant replaces glutamic acid with lysine at codon 6 of the TNNT2 protein. Computational prediction suggests that this variant may not impact protein structure and function (internally defined REVEL score threshold <= 0.5, PMID: 27666373). To our knowledge, functional studies have not been reported for this variant. This variant has not been reported in individuals affected with cardiovascular disorders in the literature. This variant has not been identified in the general population by the Genome Aggregation Database (gnomAD). The available evidence is insufficient to determine the role of this variant in disease conclusively. Therefore, this variant is classified as a Variant of Uncertain Significance.

NM_001276345.2(TNNT2):c.16G>A (p.Glu6Lys)

Gene: TNNT2 (troponin T2, cardiac type; minus strand). Cytogenetic location: 1q32.1.
Variant type: single nucleotide variant.
Coding change: c.16G>A on transcript NM_001276345.2 (MANE Select); coding-DNA position 16, G replaced by A.
Protein change: p.Glu6Lys; replaces glutamic acid 6 with lysine.
Molecular consequence: missense variant.
Genome position (GRCh38, 1-based): chr1:201,373,239, C>T on the plus strand (G>A on the coding strand, the complement: TNNT2 is on the minus strand). VCF-style: chr1-201373239-C-T. GRCh37 (hg19) VCF-style: chr1-201342367-C-T.
Other names: c.16G>A, p.Glu6Lys (NM_000364.4, NM_001001430.3, NM_001001431.3 and 3 more transcripts); short protein forms E6K.
Identifiers: ClinVar variation 1171190 (VCV001171190.2), dbSNP rs2102316961, ClinGen allele CA344209055.